The following is an entry in ClinVar:

NM_004667.6(HERC2):c.958G>A (p.Gly320Arg)

Gene: HERC2 (HECT and RLD domain containing E3 ubiquitin protein ligase 2; minus strand). Cytogenetic location: 15q13.1.
Variant type: single nucleotide variant.
Coding change: c.958G>A on transcript NM_004667.6 (MANE Select); coding-DNA position 958, G replaced by A.
Protein change: p.Gly320Arg; replaces glycine 320 with arginine.
Molecular consequence: missense variant.
Genome position (GRCh38, 1-based): chr15:28,272,340, C>T on the plus strand (G>A on the coding strand, the complement: HERC2 is on the minus strand). VCF-style: chr15-28272340-C-T. GRCh37 (hg19) VCF-style: chr15-28517486-C-T.
Other names: c.958G>A (NM_004667.5); short protein forms G320R.
Identifiers: ClinVar variation 2398618 (VCV002398618.5), dbSNP rs746579142, ClinGen allele CA267947416.

ClinVar aggregate classification (germline): Uncertain significance. Review status: criteria provided, multiple submitters, no conflicts (2 of 4 stars). 3 submissions from 3 submitters: Uncertain significance (3). Last evaluated 2025-08-22.

Conditions:
Inborn genetic diseases. Identifiers: MedGen C0950123, MeSH D030342.
Developmental delay with autism spectrum disorder and gait instability (MRT38). Also called: Intellectual developmental disorder, autosomal recessive 38. Identifiers: Orphanet 329195, MedGen C3809753, MONDO:0014224, OMIM 615516.

Allele frequency attached by ClinVar (database versions not stated): ExAC 0.00014; gnomAD 0.00003; TOPMed 0.00007; gnomAD exomes 0.00004.
gnomAD v4.1: 56 of 1,612,166 alleles (0.0035%); highest among the groups gnomAD compares: Admixed American, 0.072%; no homozygotes.

Submissions (3):

Ambry Genetics
Classification: Uncertain significance for Inborn genetic diseases. Last evaluated: 2025-08-22. Review status: criteria provided, single submitter. Criteria: Ambry Variant Classification Scheme 2023. Collection method: clinical testing. Allele origin: germline.

GeneDx
Classification: Uncertain significance. Last evaluated: 2025-06-11. Review status: criteria provided, single submitter. Criteria: GeneDx Variant Classification Process June 2021. Collection method: clinical testing. Allele origin: germline. Affected: yes.
Comment: In silico analysis suggests that this missense variant does not alter protein structure/function; Has not been previously published as pathogenic or benign to our knowledge

Baylor Genetics
Classification: Uncertain significance for Developmental delay with autism spectrum disorder and gait instability. Last evaluated: 2023-09-14. Review status: criteria provided, single submitter. Criteria: ACMG Guidelines, 2015. Collection method: clinical testing. Allele origin: unknown.